The following is an entry in ClinVar:

NM_003890.3(FCGBP):c.6801C>T (p.Gly2267=)

Gene: FCGBP (Fc gamma binding protein; minus strand). Cytogenetic location: 19q13.2.
Variant type: single nucleotide variant.
Coding change: c.6801C>T on transcript NM_003890.3 (MANE Select); coding-DNA position 6801, C replaced by T.
Protein change: p.Gly2267=; no amino-acid change (glycine 2267 retained).
Molecular consequence: synonymous variant.
Identifiers: ClinVar variation 4821213 (VCV004821213.1).

ClinVar aggregate classification (germline): Likely benign (1 of 4 stars; one submission).

Submission:

CeGaT Center for Human Genetics Tuebingen
Classification: Likely benign. Last evaluated: 2026-02-01. Review status: criteria provided, single submitter. Criteria: CeGaT Center For Human Genetics Tuebingen Variant Classification Criteria Version 2. Collection method: clinical testing. Allele origin: germline. Affected: yes. Observed: 1 variant allele.
Comment: FCGBP: PM2:Supporting, BP4, BP7